The following is an entry in ClinVar:

ClinVar aggregate classification (germline): Uncertain significance (1 of 4 stars; one submission).

Conditions:
Inborn genetic diseases. Identifiers: MedGen C0950123, MeSH D030342.

Allele frequency attached by ClinVar (database versions not stated): TOPMed below 0.00001; gnomAD 0.00001.
gnomAD v4.1: 1 of 1,606,548 alleles (0.000062%); highest among the groups gnomAD compares: African/African-American, 0.0013%; no homozygotes.

Submission:

Ambry Genetics
Classification: Uncertain significance for Inborn genetic diseases. Last evaluated: 2023-07-04. Review status: criteria provided, single submitter. Criteria: Ambry Variant Classification Scheme 2023. Collection method: clinical testing. Allele origin: germline.
Comment: The p.A192P variant (also known as c.574G>C), located in coding exon 4 of the ATR gene, results from a G to C substitution at nucleotide position 574. The alanine at codon 192 is replaced by proline, an amino acid with highly similar properties. This amino acid position is conserved. In addition, this alteration is predicted to be tolerated by in silico analysis. Since supporting evidence is limited at this time, the clinical significance of this alteration remains unclear.

NM_001184.4(ATR):c.574G>C (p.Ala192Pro)

Gene: ATR (ATR checkpoint kinase; minus strand). Cytogenetic location: 3q23.
Variant type: single nucleotide variant.
Coding change: c.574G>C on transcript NM_001184.4 (MANE Select); coding-DNA position 574, G replaced by C.
Protein change: p.Ala192Pro; replaces alanine 192 with proline.
Molecular consequence: missense variant.
Genome position (GRCh38, 1-based): chr3:142,562,828, C>G on the plus strand (G>C on the coding strand, the complement: ATR is on the minus strand). VCF-style: chr3-142562828-C-G. GRCh37 (hg19) VCF-style: chr3-142281670-C-G.
Other names: c.574G>C, p.Ala192Pro (NM_001354579.2); short protein forms A192P.
Identifiers: ClinVar variation 1749431 (VCV001749431.3), dbSNP rs2034932106, ClinGen allele CA354826403.
Genomic context (GRCh38, chr3:142,562,828, plus strand): 5'-CCATTAATAAAGTGACTTCAATAAATTCTAAATTTTGCATACTCATCAACTGCAAAGGAG[C>G]TGATTGTAAATATCCCATGTGTTCATCTAATTGACTTAAAAATCGGCTCATGACCACTGG-3'
Protein context (NP_001175.2, residues 182-202): LDEHMGYLQS[Ala192Pro]PLQLMSMQNL